The following is an entry in ClinVar:

ClinVar aggregate classification (germline): Uncertain significance (1 of 4 stars; one submission).

Allele frequency attached by ClinVar (database versions not stated): gnomAD exomes below 0.00001.
gnomAD v4.1: 1 of 1,614,168 alleles (0.000062%); no homozygotes.

Submission:

Labcorp Genetics (formerly Invitae), Labcorp
Classification: Uncertain significance. Last evaluated: 2021-11-17. Review status: criteria provided, single submitter. Criteria: Invitae Variant Classification Sherloc (09022015). Collection method: clinical testing. Allele origin: germline.
Comment: This sequence change creates a premature translational stop signal (p.Trp224*) in the RGR gene. It is expected to result in an absent or disrupted protein product. However, the current clinical and genetic evidence is not sufficient to establish whether loss-of-function variants in RGR cause disease. This variant is not present in population databases (gnomAD no frequency). In summary, the available evidence is currently insufficient to determine the role of this variant in disease. Therefore, it has been classified as a Variant of Uncertain Significance. Algorithms developed to predict the effect of sequence changes on RNA splicing suggest that this variant may create or strengthen a splice site. This variant has not been reported in the literature in individuals affected with RGR-related conditions.

NM_001012720.2(RGR):c.671G>A (p.Trp224Ter)

Gene: RGR (retinal G protein coupled receptor; plus strand). Cytogenetic location: 10q23.1.
Variant type: single nucleotide variant.
Coding change: c.671G>A on transcript NM_001012720.2 (MANE Select); coding-DNA position 671, G replaced by A.
Protein change: p.Trp224Ter; replaces tryptophan 224 with a stop codon.
Molecular consequence: nonsense. On other transcripts: intron variant (1).
Genome position (GRCh38, 1-based): chr10:84,257,933, G>A. VCF-style: chr10-84257933-G-A. GRCh37 (hg19) VCF-style: chr10-86017689-G-A.
Other names: c.683G>A, p.Trp228Ter (NM_002921.4); c.631-575G>A (NM_001012722.2); short protein forms W224*, W228*.
Identifiers: ClinVar variation 1444700 (VCV001444700.6), dbSNP rs1342133425, ClinGen allele CA377392119.